The following is an entry in ClinVar:

ClinVar aggregate classification (germline): Likely benign. Review status: criteria provided, single submitter (1 of 4 stars). 2 submissions from 2 submitters: Likely benign (1). 1 of the submissions does not count toward it. Last evaluated 2025-11-21.

Conditions:
HMCN1-related disorder. Also called: HMCN1-related condition.

Allele frequency attached by ClinVar (database versions not stated): ExAC 0.00008; gnomAD exomes 0.00008; TOPMed 0.00010; gnomAD 0.00011.
gnomAD v4.1: 131 of 1,613,232 alleles (0.0081%); highest among the groups gnomAD compares: Non-Finnish European, 0.01%; no homozygotes.

Submissions (2):

Labcorp Genetics (formerly Invitae), Labcorp
Classification: Likely benign. Last evaluated: 2025-11-21. Review status: criteria provided, single submitter. Criteria: Invitae Variant Classification Sherloc (09022015). Collection method: clinical testing. Allele origin: germline.

PreventionGenetics, part of Exact Sciences
Classification: Likely benign for HMCN1-related condition. Last evaluated: 2021-08-17. Review status: no assertion criteria provided. Collection method: clinical testing. Allele origin: germline. Not counted in ClinVar's aggregate classification.
Comment: This variant is classified as likely benign based on ACMG/AMP sequence variant interpretation guidelines (Richards et al. 2015 PMID: 25741868, with internal and published modifications).

NM_031935.3(HMCN1):c.12654T>C (p.Ala4218=)

Gene: HMCN1 (hemicentin 1; plus strand). Cytogenetic location: 1q31.1.
Variant type: single nucleotide variant.
Coding change: c.12654T>C on transcript NM_031935.3 (MANE Select); coding-DNA position 12654, T replaced by C.
Protein change: p.Ala4218=; no amino-acid change (alanine 4218 retained).
Molecular consequence: synonymous variant.
Genome position (GRCh38, 1-based): chr1:186,125,758, T>C. VCF-style: chr1-186125758-T-C. GRCh37 (hg19) VCF-style: chr1-186094890-T-C.
Other names: c.12654T>C (NM_031935.2).
Identifiers: ClinVar variation 2062841 (VCV002062841.6), dbSNP rs569854984, ClinGen allele CA1294415.